The following is an entry in ClinVar:

ClinVar aggregate classification (germline): Uncertain significance (1 of 4 stars; one submission).

Conditions:
Hereditary spastic paraplegia 11. Also called: Nakamura Osame syndrome; Autosomal recessive hereditary spastic paraplegia, mental impairment, and thin corpus callosum; Spastic paraplegia, mental retardation and thin corpus callosum; SPASTIC PARAPLEGIA, AUTOSOMAL RECESSIVE, COMPLICATED, WITH THIN CORPUS CALLOSUM; SPASTIC PARAPLEGIA, AUTOSOMAL RECESSIVE, WITH MENTAL IMPAIRMENT AND THIN CORPUS CALLOSUM; Spastic Paraplegia 11. Identifiers: Orphanet 2822, MedGen C1858479, MONDO:0011445, OMIM 604360.

Submission:

Labcorp Genetics (formerly Invitae), Labcorp
Classification: Uncertain significance for Hereditary spastic paraplegia 11. Last evaluated: 2017-09-07. Review status: criteria provided, single submitter. Criteria: Invitae Variant Classification Sherloc (09022015). Collection method: clinical testing. Allele origin: germline.
Comment: In summary, the available evidence is currently insufficient to determine the role of this variant in disease. Therefore, it has been classified as a Variant of Uncertain Significance. This sequence change replaces serine with proline at codon 258 of the SPG11 protein (p.Ser258Pro). The serine residue is moderately conserved and there is a moderate physicochemical difference between serine and proline. This variant is not present in population databases (ExAC no frequency). This variant has not been reported in the literature in individuals with SPG11-related disease. Algorithms developed to predict the effect of missense changes on protein structure and function (SIFT, PolyPhen-2, Align-GVGD) all suggest that this variant is likely to be tolerated, but these predictions have not been confirmed by published functional studies and their clinical significance is uncertain.

NM_025137.4(SPG11):c.772T>C (p.Ser258Pro)

Gene: SPG11 (SPG11 vesicle trafficking associated, spatacsin; minus strand). Cytogenetic location: 15q21.1.
Variant type: single nucleotide variant.
Coding change: c.772T>C on transcript NM_025137.4 (MANE Select); coding-DNA position 772, T replaced by C.
Protein change: p.Ser258Pro; replaces serine 258 with proline.
Molecular consequence: missense variant.
Genome position (GRCh38, 1-based): chr15:44,657,192, A>G on the plus strand (T>C on the coding strand, the complement: SPG11 is on the minus strand). VCF-style: chr15-44657192-A-G. GRCh37 (hg19) VCF-style: chr15-44949390-A-G.
Other names: c.772T>C, p.Ser258Pro (NM_001160227.2); short protein forms S258P.
Identifiers: ClinVar variation 534868 (VCV000534868.8), dbSNP rs1555382900, ClinGen allele CA392237315.